The following is an entry in ClinVar:

NM_000494.4(COL17A1):c.3082A>G (p.Arg1028Gly)

Gene: COL17A1 (collagen type XVII alpha 1 chain; minus strand). Cytogenetic location: 10q25.1.
Variant type: single nucleotide variant.
Coding change: c.3082A>G on transcript NM_000494.4 (MANE Select); coding-DNA position 3082, A replaced by G.
Protein change: p.Arg1028Gly; replaces arginine 1028 with glycine.
Molecular consequence: missense variant.
Genome position (GRCh38, 1-based): chr10:104,037,762, T>C on the plus strand (A>G on the coding strand, the complement: COL17A1 is on the minus strand). VCF-style: chr10-104037762-T-C. GRCh37 (hg19) VCF-style: chr10-105797520-T-C.
Other names: short protein forms R1028G.
Identifiers: ClinVar variation 5017374 (VCV005017374.1).

ClinVar aggregate classification (germline): Uncertain significance (1 of 4 stars; one submission).

Submission:

GeneDx
Classification: Uncertain significance. Last evaluated: 2026-03-26. Review status: criteria provided, single submitter. Criteria: GeneDx Variant Classification Process June 2021. Collection method: clinical testing. Allele origin: germline.
Comment: Not observed at significant frequency in large population cohorts (gnomAD); In silico analysis supports that this missense variant has a deleterious effect on protein structure/function; Has not been previously published as pathogenic or benign to our knowledge